The following is an entry in ClinVar:

ClinVar aggregate classification (germline): Uncertain significance. Review status: criteria provided, multiple submitters, no conflicts (2 of 4 stars). 2 submissions from 2 submitters: Uncertain significance (2). Last evaluated 2025-11-17.

Conditions:
Inborn genetic diseases. Identifiers: MedGen C0950123, MeSH D030342.
Pulmonary hypertension, primary, 1 (PPH1). Also called: Pulmonary hypertension, familial primary, 1, with or without HHT. Identifiers: Orphanet 422, MedGen C4552070, MONDO:0024533, OMIM 178600.
Pulmonary venoocclusive disease 1 (PVOD1). Also called: Pulmonary venoocclusive disease 1, autosomal dominant. Identifiers: Orphanet 31837, MedGen C3887658, MONDO:0020713, OMIM 265450.

gnomAD v4.1: 3 of 1,610,384 alleles (0.00019%); highest among the groups gnomAD compares: African/African-American, 0.0027%; no homozygotes.

Submissions (2):

Ambry Genetics
Classification: Uncertain significance for Inborn genetic diseases. Last evaluated: 2025-11-17. Review status: criteria provided, single submitter. Criteria: Ambry Variant Classification Scheme 2023. Collection method: clinical testing. Allele origin: germline.
Comment: The p.H324R variant (also known as c.971A>G), located in coding exon 8 of the BMPR2 gene, results from an A to G substitution at nucleotide position 971. The histidine at codon 324 is replaced by arginine, an amino acid with highly similar properties. This amino acid position is conserved. In addition, the in silico prediction for this alteration is inconclusive. Based on the available evidence, the clinical significance of this variant remains unclear.

Fulgent Genetics
Classification: Uncertain significance for Pulmonary hypertension, primary, 1; Pulmonary venoocclusive disease 1. Last evaluated: 2024-06-17. Review status: criteria provided, single submitter. Criteria: ACMG Guidelines, 2015. Collection method: clinical testing. Allele origin: germline.

NM_001204.7(BMPR2):c.971A>G (p.His324Arg)

Gene: BMPR2 (bone morphogenetic protein receptor type 2; plus strand). Cytogenetic location: 2q33.2.
Variant type: single nucleotide variant.
Coding change: c.971A>G on transcript NM_001204.7 (MANE Select); coding-DNA position 971, A replaced by G.
Protein change: p.His324Arg; replaces histidine 324 with arginine.
Molecular consequence: missense variant.
Genome position (GRCh38, 1-based): chr2:202,530,797, A>G. VCF-style: chr2-202530797-A-G. GRCh37 (hg19) VCF-style: chr2-203395520-A-G.
Other names: short protein forms H324R.
Identifiers: ClinVar variation 3585270 (VCV003585270.2).